The following is an entry in ClinVar:

NM_021999.5(ITM2B):c.251A>T (p.Asp84Val)

Gene: ITM2B (integral membrane protein 2B; plus strand). Cytogenetic location: 13q14.2.
Variant type: single nucleotide variant.
Coding change: c.251A>T on transcript NM_021999.5 (MANE Select); coding-DNA position 251, A replaced by T.
Protein change: p.Asp84Val; replaces aspartic acid 84 with valine.
Molecular consequence: missense variant.
Genome position (GRCh38, 1-based): chr13:48,256,181, A>T. VCF-style: chr13-48256181-A-T. GRCh37 (hg19) VCF-style: chr13-48830317-A-T.
Other names: short protein forms D84V.
Identifiers: ClinVar variation 3616920 (VCV003616920.2).

ClinVar aggregate classification (germline): Uncertain significance (1 of 4 stars; one submission).

gnomAD v4.1: 2 of 1,610,490 alleles (0.00012%); highest among the groups gnomAD compares: Non-Finnish European, 0.00017%; no homozygotes.

Submission:

Labcorp Genetics (formerly Invitae), Labcorp
Classification: Uncertain significance. Last evaluated: 2024-10-01. Review status: criteria provided, single submitter. Criteria: Invitae Variant Classification Sherloc (09022015). Collection method: clinical testing. Allele origin: germline.
Comment: This sequence change replaces aspartic acid, which is acidic and polar, with valine, which is neutral and non-polar, at codon 84 of the ITM2B protein (p.Asp84Val). This variant is not present in population databases (gnomAD no frequency). This variant has not been reported in the literature in individuals affected with ITM2B-related conditions. Invitae Evidence Modeling of protein sequence and biophysical properties (such as structural, functional, and spatial information, amino acid conservation, physicochemical variation, residue mobility, and thermodynamic stability) indicates that this missense variant is not expected to disrupt ITM2B protein function with a negative predictive value of 80%. In summary, the available evidence is currently insufficient to determine the role of this variant in disease. Therefore, it has been classified as a Variant of Uncertain Significance.